The following is an entry in ClinVar:

NM_014239.4(EIF2B2):c.714C>T (p.Thr238=)

Gene: EIF2B2 (eukaryotic translation initiation factor 2B subunit beta; plus strand). Cytogenetic location: 14q24.3.
Variant type: single nucleotide variant.
Coding change: c.714C>T on transcript NM_014239.4 (MANE Select); coding-DNA position 714, C replaced by T.
Protein change: p.Thr238=; no amino-acid change (threonine 238 retained).
Molecular consequence: synonymous variant.
Genome position (GRCh38, 1-based): chr14:75,006,597, C>T. VCF-style: chr14-75006597-C-T. GRCh37 (hg19) VCF-style: chr14-75473300-C-T.
Identifiers: ClinVar variation 2165322 (VCV002165322.28), dbSNP rs748270202, ClinGen allele CA7275039.
Genomic context (GRCh38, chr14:75,006,597, plus strand): 5'-CACCCCCAGGATGGCTCACATTTTTTGTCTTGTCCCAAAGGTGATCATTGGCACGAAGAC[C>T]ATCCTGGCCAATGGGGCCCTGAGAGCTGTGACAGGAACTCACACTCTGGCACTGGCAGCA-3'
Protein context (NP_055054.1, residues 228-248): RVNKVIIGTK[Thr238=]ILANGALRAV

ClinVar aggregate classification (germline): Likely benign. Review status: criteria provided, multiple submitters, no conflicts (2 of 4 stars). 2 submissions from 2 submitters: Likely benign (2). Last evaluated 2024-12-03.

Allele frequency attached by ClinVar (database versions not stated): TOPMed below 0.00001; gnomAD 0.00001; ExAC 0.00002; gnomAD exomes 0.00004.
gnomAD v4.1: 53 of 1,614,018 alleles (0.0033%); highest among the groups gnomAD compares: Admixed American, 0.005%; no homozygotes.

Submissions (2):

Labcorp Genetics (formerly Invitae), Labcorp
Classification: Likely benign. Last evaluated: 2024-12-03. Review status: criteria provided, single submitter. Criteria: Invitae Variant Classification Sherloc (09022015). Collection method: clinical testing. Allele origin: germline.

CeGaT Center for Human Genetics Tuebingen
Classification: Likely benign. Last evaluated: 2022-09-01. Review status: criteria provided, single submitter. Criteria: CeGaT Center For Human Genetics Tuebingen Variant Classification Criteria Version 2. Collection method: clinical testing. Allele origin: germline. Affected: yes. Observed: 1 variant allele.
Comment: EIF2B2: BP4, BP7